The following is an entry in ClinVar:

NM_014141.6(CNTNAP2):c.3232C>T (p.Leu1078Phe)

Gene: CNTNAP2 (contactin associated protein 2; plus strand). Cytogenetic location: 7q36.1.
Variant type: single nucleotide variant.
Coding change: c.3232C>T on transcript NM_014141.6 (MANE Select); coding-DNA position 3232, C replaced by T.
Protein change: p.Leu1078Phe; replaces leucine 1078 with phenylalanine.
Molecular consequence: missense variant.
Genome position (GRCh38, 1-based): chr7:148,217,509, C>T. VCF-style: chr7-148217509-C-T. GRCh37 (hg19) VCF-style: chr7-147914601-C-T.
Other names: short protein forms L1078F.
Identifiers: ClinVar variation 1729208 (VCV001729208.2), dbSNP rs2536642365, ClinGen allele CA369929522.

ClinVar aggregate classification (germline): Uncertain significance (1 of 4 stars; one submission).

Conditions:
Inborn genetic diseases. Identifiers: MedGen C0950123, MeSH D030342.

Submission:

Ambry Genetics
Classification: Uncertain significance for Inborn genetic diseases. Last evaluated: 2018-07-13. Review status: criteria provided, single submitter. Criteria: Ambry Variant Classification Scheme 2023. Collection method: clinical testing. Allele origin: germline.
Comment: The p.L1078F variant (also known as c.3232C>T), located in coding exon 19 of the CNTNAP2 gene, results from a C to T substitution at nucleotide position 3232. The leucine at codon 1078 is replaced by phenylalanine, an amino acid with highly similar properties. This amino acid position is well conserved in available vertebrate species. In addition, the in silico prediction for this alteration is inconclusive. Since supporting evidence is limited at this time, the clinical significance of this alteration remains unclear.